The following is an entry in ClinVar:

ClinVar aggregate classification (germline): Benign (1 of 4 stars; one submission).

Submission:

CeGaT Center for Human Genetics Tuebingen
Classification: Benign. Last evaluated: 2025-04-01. Review status: criteria provided, single submitter. Criteria: CeGaT Center For Human Genetics Tuebingen Variant Classification Criteria Version 2. Collection method: clinical testing. Allele origin: germline. Affected: yes. Observed: 1 variant allele.
Comment: PDIA2: BS1, BS2

NM_006849.4(PDIA2):c.1478dup (p.Asn493fs)

Gene: PDIA2 (protein disulfide isomerase family A member 2; plus strand). Cytogenetic location: 16p13.3.
Variant type: Duplication.
Coding change: c.1478dup on transcript NM_006849.4 (MANE Select); coding-DNA position 1478, one base duplicated (A; older notation c.1478dupA).
Protein change: p.Asn493fs; shifts the reading frame from asparagine 493.
Molecular consequence: frameshift variant.
Genome position (GRCh38, 1-based): chr16:286,890, A duplicated; the last of 2 consecutive A bases (chr16:286,889-286,890); duplicating either gives the same sequence. VCF-style (leftmost placement, unchanged base first): chr16-286888-C-CA. GRCh37 (hg19) VCF-style: chr16-336888-C-CA.
Other names: short protein forms N493fs.
Identifiers: ClinVar variation 3898066 (VCV003898066.7).